The following is an entry in ClinVar:

NM_014319.5(LEMD3):c.2300G>T (p.Gly767Val)

Gene: LEMD3 (LEM domain containing 3; plus strand). Cytogenetic location: 12q14.3.
Variant type: single nucleotide variant.
Coding change: c.2300G>T on transcript NM_014319.5 (MANE Select); coding-DNA position 2300, G replaced by T.
Protein change: p.Gly767Val; replaces glycine 767 with valine.
Molecular consequence: missense variant.
Genome position (GRCh38, 1-based): chr12:65,241,082, G>T. VCF-style: chr12-65241082-G-T. GRCh37 (hg19) VCF-style: chr12-65634862-G-T.
Other names: c.2297G>T, p.Gly766Val (NM_001167614.2); short protein forms G766V, G767V.
Identifiers: ClinVar variation 2827325 (VCV002827325.3), dbSNP rs2498908977, ClinGen allele CA385673292.

ClinVar aggregate classification (germline): Uncertain significance (1 of 4 stars; one submission).

Submission:

Labcorp Genetics (formerly Invitae), Labcorp
Classification: Uncertain significance. Last evaluated: 2025-03-10. Review status: criteria provided, single submitter. Criteria: Invitae Variant Classification Sherloc (09022015). Collection method: clinical testing. Allele origin: germline.
Comment: This sequence change replaces glycine, which is neutral and non-polar, with valine, which is neutral and non-polar, at codon 767 of the LEMD3 protein (p.Gly767Val). This variant is not present in population databases (gnomAD no frequency). This variant has not been reported in the literature in individuals affected with LEMD3-related conditions. ClinVar contains an entry for this variant (Variation ID: 2827325). Invitae Evidence Modeling of protein sequence and biophysical properties (such as structural, functional, and spatial information, amino acid conservation, physicochemical variation, residue mobility, and thermodynamic stability) indicates that this missense variant is expected to disrupt LEMD3 protein function with a positive predictive value of 80%. In summary, the available evidence is currently insufficient to determine the role of this variant in disease. Therefore, it has been classified as a Variant of Uncertain Significance.